The following is an entry in ClinVar:

ClinVar aggregate classification (germline): Uncertain significance (1 of 4 stars; one submission).

Submission:

Labcorp Genetics (formerly Invitae), Labcorp
Classification: Uncertain significance. Last evaluated: 2022-08-09. Review status: criteria provided, single submitter. Criteria: Invitae Variant Classification Sherloc (09022015). Collection method: clinical testing. Allele origin: germline.
Comment: In summary, the available evidence is currently insufficient to determine the role of this variant in disease. Therefore, it has been classified as a Variant of Uncertain Significance. Advanced modeling of protein sequence and biophysical properties (such as structural, functional, and spatial information, amino acid conservation, physicochemical variation, residue mobility, and thermodynamic stability) performed at Invitae indicates that this missense variant is not expected to disrupt COL9A3 protein function. ClinVar contains an entry for this variant (Variation ID: 1510893). This variant has not been reported in the literature in individuals affected with COL9A3-related conditions. This variant is not present in population databases (gnomAD no frequency). This sequence change replaces asparagine, which is neutral and polar, with lysine, which is basic and polar, at codon 324 of the COL9A3 protein (p.Asn324Lys).

NM_001853.4(COL9A3):c.972C>G (p.Asn324Lys)

Gene: COL9A3 (collagen type IX alpha 3 chain; plus strand). Cytogenetic location: 20q13.33.
Variant type: single nucleotide variant.
Coding change: c.972C>G on transcript NM_001853.4 (MANE Select); coding-DNA position 972, C replaced by G.
Protein change: p.Asn324Lys; replaces asparagine 324 with lysine.
Molecular consequence: missense variant.
Genome position (GRCh38, 1-based): chr20:62,828,940, C>G. VCF-style: chr20-62828940-C-G. GRCh37 (hg19) VCF-style: chr20-61460292-C-G.
Other names: short protein forms N324K.
Identifiers: ClinVar variation 1510893 (VCV001510893.6), dbSNP rs372362105, ClinGen allele CA409593168.